The following is an entry in ClinVar:

ClinVar aggregate classification (germline): Uncertain significance. Review status: criteria provided, multiple submitters, no conflicts (2 of 4 stars). 2 submissions from 2 submitters: Uncertain significance (2). Last evaluated 2024-11-11.

Conditions:
Inborn genetic diseases. Identifiers: MedGen C0950123, MeSH D030342.

Allele frequency attached by ClinVar (database versions not stated): TOPMed 0.00002; gnomAD 0.00004; ExAC 0.00005; 1000 Genomes Project 30x 0.00016; 1000 Genomes Project 0.00020.
gnomAD v4.1: 60 of 1,613,428 alleles (0.0037%); highest among the groups gnomAD compares: East Asian, 0.016%; no homozygotes.

Submissions (2):

Ambry Genetics
Classification: Uncertain significance for Inborn genetic diseases. Last evaluated: 2024-11-11. Review status: criteria provided, single submitter. Criteria: Ambry Variant Classification Scheme 2023. Collection method: clinical testing. Allele origin: germline.

CeGaT Center for Human Genetics Tuebingen
Classification: Uncertain significance. Last evaluated: 2023-06-01. Review status: criteria provided, single submitter. Criteria: CeGaT Center For Human Genetics Tuebingen Variant Classification Criteria Version 2. Collection method: clinical testing. Allele origin: germline. Affected: yes. Observed: 1 variant allele.
Comment: COL27A1: PM2, BP4

NM_032888.4(COL27A1):c.257C>T (p.Thr86Met)

Gene: COL27A1 (collagen type XXVII alpha 1 chain; plus strand). Cytogenetic location: 9q32.
Variant type: single nucleotide variant.
Coding change: c.257C>T on transcript NM_032888.4 (MANE Select); coding-DNA position 257, C replaced by T.
Protein change: p.Thr86Met; replaces threonine 86 with methionine.
Molecular consequence: missense variant.
Genome position (GRCh38, 1-based): chr9:114,167,812, C>T. VCF-style: chr9-114167812-C-T. GRCh37 (hg19) VCF-style: chr9-116930092-C-T.
Other names: c.257C>T (NM_032888.2); short protein forms T86M.
Identifiers: ClinVar variation 2659439 (VCV002659439.25), dbSNP rs74930448, ClinGen allele CA5201090.